The following is an entry in ClinVar:

NM_000814.6(GABRB3):c.241-4C>G

Gene: GABRB3 (gamma-aminobutyric acid type A receptor subunit beta3; minus strand). Cytogenetic location: 15q12.
Variant type: single nucleotide variant.
Coding change: c.241-4C>G on transcript NM_000814.6 (MANE Select); 4 bases into the intron before coding-DNA position 241, C replaced by G.
Molecular consequence: intron variant.
Genome position (GRCh38, 1-based): chr15:26,621,538, G>C on the plus strand (C>G on the coding strand, the complement: GABRB3 is on the minus strand). VCF-style: chr15-26621538-G-C. GRCh37 (hg19) VCF-style: chr15-26866685-G-C.
Other names: c.241-4C>G (NM_021912.5); c.-15-4C>G (NM_001278631.2, NM_001191320.2); c.28-4C>G (NM_001191321.3).
Identifiers: ClinVar variation 3063914 (VCV003063914.1), dbSNP rs772590558, ClinGen allele CA7437474.
Genomic context (GRCh38, chr15:26,621,538, plus strand): 5'-ATAGGCGAGCCTTTTATCTCTCCAATATTGTTGAAAATACATGGTTAAGGTATAATCCTG[G>C]GGGGAAAAGAAAAGAAAGAAAGTTAGTTTGTACCCAGCCACAGGTGTATTTCCTCCACGA-3'

ClinVar aggregate classification (germline): Uncertain significance (1 of 4 stars; one submission).

Allele frequency attached by ClinVar (database versions not stated): ExAC 0.00001.
gnomAD v4.1: 2 of 1,608,110 alleles (0.00012%); highest among the groups gnomAD compares: Non-Finnish European, 0.000085%; no homozygotes.

Submission:

Women's Health and Genetics/Laboratory Corporation of America, LabCorp
Classification: Uncertain significance. Last evaluated: 2024-01-15. Review status: criteria provided, single submitter. Criteria: LabCorp Variant Classification Summary - May 2015. Collection method: clinical testing. Allele origin: germline.
Comment: Variant summary: GABRB3 c.241-4C>G alters a non-conserved nucleotide located close to a canonical splice site and therefore could affect mRNA splicing, leading to a significantly altered protein sequence. Consensus agreement among computation tools predict no significant impact on normal splicing. However, these predictions have yet to be confirmed by functional studies. The variant allele was found at a frequency of 4e-06 in 249662 control chromosomes. The available data on variant occurrences in the general population are insufficient to allow any conclusion about variant significance. To our knowledge, no occurrence of c.241-4C>G in individuals affected with Developmental And Epileptic Encephalopathy, 43 and no experimental evidence demonstrating its impact on protein function have been reported. No submitters have cited clinical-significance assessments for this variant to ClinVar. Based on the evidence outlined above, the variant was classified as uncertain significance.